The following is an entry in ClinVar:

ClinVar aggregate classification (germline): Likely pathogenic. Review status: criteria provided, multiple submitters, no conflicts (2 of 4 stars). 2 submissions from 2 submitters: Likely pathogenic (2). Last evaluated 2024-08-13.

Conditions:
Usher syndrome type 1 (USH1). Also called: RETINITIS PIGMENTOSA AND CONGENITAL DEAFNESS. Identifiers: Orphanet 231169, Orphanet 886, MedGen C1568247, MONDO:0010168, OMIM 276900.

Submissions (2):

Natera, Inc.
Classification: Likely pathogenic for Usher syndrome type 1. Last evaluated: 2024-08-13. Review status: criteria provided, single submitter. Criteria: Natera Variant Classification Schema (03/2026). Collection method: clinical testing. Allele origin: germline.
Comment: The c.336+1del variant in CDH23 is a canonical splice donor site variant predicted to affect pre-mRNA splicing, which may result in an abnormal transcript and altered protein product. This variant is expected to result in nonsense mediated decay, truncation, or a dysfunctional protein product. This variant is rare in the general population with a frequency below the threshold expected for the associated phenotype(s). Given the available evidence, this variant is classified as Likely Pathogenic.

GeneDx
Classification: Likely pathogenic. Last evaluated: 2023-01-03. Review status: criteria provided, single submitter. Criteria: GeneDx Variant Classification Process June 2021. Collection method: clinical testing. Allele origin: germline. Affected: yes.
Comment: Canonical splice site variant expected to result in aberrant splicing, although in the absence of functional evidence the actual effect of this sequence change is unknown.; Not observed in large population cohorts (gnomAD); Has not been previously published as pathogenic or benign to our knowledge

NM_022124.6(CDH23):c.336+1del

Genes: CDH23 (cadherin related 23; plus strand), CDH23-AS1 (CDH23 antisense RNA 1; minus strand). Cytogenetic location: 10q22.1.
Variant type: Deletion.
Coding change: c.336+1del on transcript NM_022124.6 (MANE Select); the canonical splice donor site of the intron after coding-DNA position 336, one base deleted (G; older notation c.336+1delG).
Molecular consequence: splice donor variant.
Genome position (GRCh38, 1-based): chr10:71,511,002, G deleted; the last of 5 consecutive G bases (chr10:71,510,998-71,511,002); deleting any one gives the same sequence. VCF-style (leftmost placement, unchanged base first): chr10-71510997-AG-A. GRCh37 (hg19) VCF-style: chr10-73270754-AG-A.
Other names: c.336+1del (NM_022124.5, NM_001171930.2, NM_001171931.2 and 2 more transcripts).
Identifiers: ClinVar variation 1810575 (VCV001810575.2), dbSNP rs1853943430, ClinGen allele CA1918748442.
Genomic context (GRCh38, chr10:71,510,997, plus strand): 5'-TCTCACTTTTCTTTCAGACCAAGTCAGAGTTCACCGTGGAGTTCTCTGTCAGCGACCACC[AG>A]GGGGTGAGTGTTCCCTGGGGCCCTGGAGGCATGTTCCTGGGGTCACAGGATTTCTGGACC-3'